The following is an entry in ClinVar:

ClinVar aggregate classification (germline): Pathogenic (1 of 4 stars; one submission).

Submission:

Labcorp Genetics (formerly Invitae), Labcorp
Classification: Pathogenic. Last evaluated: 2022-07-06. Review status: criteria provided, single submitter. Criteria: Invitae Variant Classification Sherloc (09022015). Collection method: clinical testing. Allele origin: germline.
Comment: For these reasons, this variant has been classified as Pathogenic. This variant has not been reported in the literature in individuals affected with COL4A4-related conditions. This variant is not present in population databases (gnomAD no frequency). This sequence change creates a premature translational stop signal (p.Gln1583*) in the COL4A4 gene. It is expected to result in an absent or disrupted protein product. Loss-of-function variants in COL4A4 are known to be pathogenic (PMID: 21196518, 24854265, 25307543).

Literature cited by the submitters: PubMed 21196518; PubMed 24854265; PubMed 25307543.

NM_000092.5(COL4A4):c.4747C>T (p.Gln1583Ter)

Gene: COL4A4 (collagen type IV alpha 4 chain; minus strand). Cytogenetic location: 2q36.3.
Variant type: single nucleotide variant.
Coding change: c.4747C>T on transcript NM_000092.5 (MANE Select); coding-DNA position 4747, C replaced by T.
Protein change: p.Gln1583Ter; replaces glutamine 1583 with a stop codon.
Molecular consequence: nonsense.
Genome position (GRCh38, 1-based): chr2:227,008,080, G>A on the plus strand (C>T on the coding strand, the complement: COL4A4 is on the minus strand). VCF-style: chr2-227008080-G-A. GRCh37 (hg19) VCF-style: chr2-227872796-G-A.
Other names: short protein forms Q1583*.
Identifiers: ClinVar variation 2013923 (VCV002013923.4), dbSNP rs2472605075, ClinGen allele CA351140565.